The following is an entry in ClinVar:

NM_001148.6(ANK2):c.4085A>G (p.Glu1362Gly)

Gene: ANK2 (ankyrin 2; plus strand). Cytogenetic location: 4q26.
Variant type: single nucleotide variant.
Coding change: c.4085A>G on transcript NM_001148.6 (MANE Select); coding-DNA position 4085, A replaced by G.
Protein change: p.Glu1362Gly; replaces glutamic acid 1362 with glycine.
Molecular consequence: missense variant.
Genome position (GRCh38, 1-based): chr4:113,341,879, A>G. VCF-style: chr4-113341879-A-G. GRCh37 (hg19) VCF-style: chr4-114263035-A-G.
Other names: c.4058A>G, p.Glu1353Gly (NM_001127493.3); c.4097A>G, p.Glu1366Gly (NM_001354225.2); c.3986A>G, p.Glu1329Gly (NM_001354228.2, NM_001354258.2); c.4064A>G, p.Glu1355Gly (NM_001354230.2); c.4127A>G, p.Glu1376Gly (NM_001354231.2, NM_001354242.2); c.4121A>G, p.Glu1374Gly (NM_001354232.2); c.4082A>G, p.Glu1361Gly (NM_001354235.2, NM_001354246.2, NM_001354265.2); c.3983A>G, p.Glu1328Gly (NM_001354236.2); and 31 more; short protein forms E1201G, E1234G, E1262G, E1267G, E1275G, E1287G, E1291G, E1295G.
Identifiers: ClinVar variation 4976403 (VCV004976403.1).

ClinVar aggregate classification (germline): Uncertain significance (1 of 4 stars; one submission).

Submission:

GeneDx
Classification: Uncertain significance. Last evaluated: 2026-03-20. Review status: criteria provided, single submitter. Criteria: GeneDx Variant Classification Process June 2021. Collection method: clinical testing. Allele origin: germline.
Comment: Not observed at significant frequency in large population cohorts (gnomAD); In silico analysis supports that this missense variant has a deleterious effect on protein structure/function; Has not been previously published as pathogenic or benign to our knowledge